The following is an entry in ClinVar:

ClinVar aggregate classification (germline): Uncertain significance. Review status: criteria provided, multiple submitters, no conflicts (2 of 4 stars). 2 submissions from 2 submitters: Uncertain significance (2). Last evaluated 2025-05-04.

Conditions:
Inborn genetic diseases. Identifiers: MedGen C0950123, MeSH D030342.
Early-infantile DEE. Also called: Early infantile epileptic encephalopathy with suppression bursts; Early infantile epileptic encephalopathy; Ohtahara syndrome. Identifiers: Orphanet 1934, MedGen C0393706, MONDO:0800491.

Allele frequency attached by ClinVar (database versions not stated): ExAC 0.00001; TOPMed 0.00001.
gnomAD v4.1: 2 of 1,613,510 alleles (0.00012%); highest among the groups gnomAD compares: Admixed American, 0.0033%; no homozygotes.

Submissions (2):

Ambry Genetics
Classification: Uncertain significance for Inborn genetic diseases. Last evaluated: 2025-05-04. Review status: criteria provided, single submitter. Criteria: Ambry Variant Classification Scheme 2023. Collection method: clinical testing. Allele origin: germline.

Labcorp Genetics (formerly Invitae), Labcorp
Classification: Uncertain significance for Early-infantile DEE. Last evaluated: 2024-10-16. Review status: criteria provided, single submitter. Criteria: Invitae Variant Classification Sherloc (09022015). Collection method: clinical testing. Allele origin: germline.
Comment: This sequence change replaces glutamic acid, which is acidic and polar, with aspartic acid, which is acidic and polar, at codon 2424 of the SPTAN1 protein (p.Glu2424Asp). This variant is present in population databases (rs766229911, gnomAD 0.006%). This variant has not been reported in the literature in individuals affected with SPTAN1-related conditions. ClinVar contains an entry for this variant (Variation ID: 1366000). Invitae Evidence Modeling of protein sequence and biophysical properties (such as structural, functional, and spatial information, amino acid conservation, physicochemical variation, residue mobility, and thermodynamic stability) has been performed for this missense variant. However, the output from this modeling did not meet the statistical confidence thresholds required to predict the impact of this variant on SPTAN1 protein function. In summary, the available evidence is currently insufficient to determine the role of this variant in disease. Therefore, it has been classified as a Variant of Uncertain Significance.

NM_001130438.3(SPTAN1):c.7272G>C (p.Glu2424Asp)

Gene: SPTAN1 (spectrin alpha, non-erythrocytic 1; plus strand). Cytogenetic location: 9q34.11.
Variant type: single nucleotide variant.
Coding change: c.7272G>C on transcript NM_001130438.3 (MANE Select); coding-DNA position 7272, G replaced by C.
Protein change: p.Glu2424Asp; replaces glutamic acid 2424 with aspartic acid.
Molecular consequence: missense variant.
Genome position (GRCh38, 1-based): chr9:128,632,919, G>C. VCF-style: chr9-128632919-G-C. GRCh37 (hg19) VCF-style: chr9-131395198-G-C.
Other names: c.7272G>C (NM_001130438.2); c.7197G>C, p.Glu2399Asp (NM_001195532.2); c.7335G>C, p.Glu2445Asp (NM_001363759.2); c.7212G>C, p.Glu2404Asp (NM_001363765.2, NM_001375314.2); c.7359G>C, p.Glu2453Asp (NM_001375310.1); c.7272G>C, p.Glu2424Asp (NM_001375311.2); c.7308G>C, p.Glu2436Asp (NM_001375312.2); c.7254G>C, p.Glu2418Asp (NM_001375313.1); and 2 more; short protein forms E2436D, E2457D, E2404D, E2419D, E2424D, E2445D, E2399D, E2418D.
Identifiers: ClinVar variation 1366000 (VCV001366000.10), dbSNP rs766229911, ClinGen allele CA5266046.
Genomic context (GRCh38, chr9:128,632,919, plus strand): 5'-AACTGAGAACGTCAAGTCCAGCGAGGAGATTGAGAGCGCCTTCCGGGCCCTCAGCTCAGA[G>C]GGAAAGCCTTACGTGACCAAGGAGGAGCTCTACCAGGTATGGGCCTCAGGAGGTGGGTGA-3'
Protein context (NP_001123910.1, residues 2414-2434): IESAFRALSS[Glu2424Asp]GKPYVTKEEL